The following is an entry in ClinVar:

NM_001131016.2(CIZ1):c.857G>A (p.Arg286Gln)

Gene: CIZ1 (CDKN1A interacting zinc finger protein 1; minus strand). Cytogenetic location: 9q34.11.
Variant type: single nucleotide variant.
Coding change: c.857G>A on transcript NM_001131016.2 (MANE Select); coding-DNA position 857, G replaced by A.
Protein change: p.Arg286Gln; replaces arginine 286 with glutamine.
Molecular consequence: missense variant.
Genome position (GRCh38, 1-based): chr9:128,179,350, C>T on the plus strand (G>A on the coding strand, the complement: CIZ1 is on the minus strand). VCF-style: chr9-128179350-C-T. GRCh37 (hg19) VCF-style: chr9-130941629-C-T.
Other names: c.857G>A, p.Arg286Gln (NM_001131015.2, NM_012127.3); c.842G>A, p.Arg281Gln (NM_001131017.2); c.785G>A, p.Arg262Gln (NM_001131018.2); c.947G>A, p.Arg316Gln (NM_001257975.2); c.554G>A, p.Arg185Gln (NM_001257976.2); short protein forms R286Q, R262Q, R281Q, R185Q, R316Q.
Identifiers: ClinVar variation 573041 (VCV000573041.10), dbSNP rs775613975, ClinGen allele CA5257418.
Genomic context (GRCh38, chr9:128,179,350, plus strand): 5'-TGGGCTTCCAGGGCCTCAGGCAGCAGGTCTGGTGTCTGTGTCTGTTTCGGTACTGTCATC[C>T]GGGCCTGCGGCTGGGCCTTCACCTGTAACTGCCCTGGAGGTTCCTTCTCTGTGGGCTCTT-3'
Protein context (NP_001124488.1, residues 276-296): QLQVKAQPQA[Arg286Gln]MTVPKQTQTP

ClinVar aggregate classification (germline): Uncertain significance. Review status: criteria provided, multiple submitters, no conflicts (2 of 4 stars). 2 submissions from 2 submitters: Uncertain significance (2). Last evaluated 2025-10-21.

Conditions:
Dystonic disorder. Also called: Dystonia. Identifiers: MedGen C0013421, MONDO:0003441, HP:0001332.

Allele frequency attached by ClinVar (database versions not stated): gnomAD 0.00004 and 0.00003; gnomAD exomes 0.00002 and 0.00001; ExAC 0.00001; TOPMed 0.00002.

Submissions (2):

Ambry Genetics
Classification: Uncertain significance. Last evaluated: 2025-10-21. Review status: criteria provided, single submitter. Criteria: Ambry Variant Classification Scheme 2023. Collection method: clinical testing. Allele origin: germline.

Labcorp Genetics (formerly Invitae), Labcorp
Classification: Uncertain significance for Dystonic disorder. Last evaluated: 2023-01-04. Review status: criteria provided, single submitter. Criteria: Invitae Variant Classification Sherloc (09022015). Collection method: clinical testing. Allele origin: germline.
Comment: In summary, the available evidence is currently insufficient to determine the role of this variant in disease. Therefore, it has been classified as a Variant of Uncertain Significance. Algorithms developed to predict the effect of missense changes on protein structure and function output the following: SIFT: "Tolerated"; PolyPhen-2: "Benign"; Align-GVGD: "Class C0". The glutamine amino acid residue is found in multiple mammalian species, which suggests that this missense change does not adversely affect protein function. ClinVar contains an entry for this variant (Variation ID: 573041). This variant has not been reported in the literature in individuals affected with CIZ1-related conditions. This variant is present in population databases (rs775613975, gnomAD 0.002%). This sequence change replaces arginine, which is basic and polar, with glutamine, which is neutral and polar, at codon 286 of the CIZ1 protein (p.Arg286Gln).